The following is an entry in ClinVar:

NM_004329.3(BMPR1A):c.448A>G (p.Ser150Gly)

Gene: BMPR1A (bone morphogenetic protein receptor type 1A; plus strand). Cytogenetic location: 10q23.2.
Variant type: single nucleotide variant.
Coding change: c.448A>G on transcript NM_004329.3 (MANE Select); coding-DNA position 448, A replaced by G.
Protein change: p.Ser150Gly; replaces serine 150 with glycine.
Molecular consequence: missense variant.
Genome position (GRCh38, 1-based): chr10:86,900,044, A>G. VCF-style: chr10-86900044-A-G. GRCh37 (hg19) VCF-style: chr10-88659801-A-G.
Other names: c.448A>G, p.Ser150Gly (NM_001406559.1, NM_001406560.1, NM_001406561.1 and 22 more transcripts); c.364A>G, p.Ser122Gly (NM_001406584.1, NM_001406585.1, NM_001406586.1 and 2 more transcripts); short protein forms S122G, S150G.
Identifiers: ClinVar variation 1740943 (VCV001740943.2), dbSNP rs2539493830, ClinGen allele CA377450184.

ClinVar aggregate classification (germline): Uncertain significance (1 of 4 stars; one submission).

Conditions:
Hereditary cancer-predisposing syndrome. Also called: Hereditary Cancer Syndrome; Hereditary neoplastic syndrome; Neoplastic Syndromes, Hereditary; Tumor predisposition. Identifiers: Orphanet 140162, MedGen C0027672, MeSH D009386, MONDO:0015356.

Submission:

Ambry Genetics
Classification: Uncertain significance for Hereditary cancer-predisposing syndrome. Last evaluated: 2020-03-04. Review status: criteria provided, single submitter. Criteria: Ambry Variant Classification Scheme 2023. Collection method: clinical testing. Allele origin: germline.
Comment: The p.S150G variant (also known as c.448A>G), located in coding exon 5 of the BMPR1A gene, results from an A to G substitution at nucleotide position 448. The serine at codon 150 is replaced by glycine, an amino acid with similar properties. This amino acid position is well conserved in available vertebrate species. In addition, the in silico prediction for this alteration is inconclusive. Since supporting evidence is limited at this time, the clinical significance of this alteration remains unclear.